The following is an entry in ClinVar:

ClinVar aggregate classification (germline): Uncertain significance (1 of 4 stars; one submission).

Conditions:
Short-rib thoracic dysplasia 6 with or without polydactyly (SRTD6). Also called: Majewski Syndrome; SHORT-RIB THORACIC DYSPLASIA 6 WITH POLYDACTYLY; SHORT-RIB THORACIC DYSPLASIA 6 WITHOUT POLYDACTYLY; POLYDACTYLY WITH NEONATAL CHONDRODYSTROPHY, TYPE II; SHORT RIB-POLYDACTYLY SYNDROME, TYPE IIA. Identifiers: MedGen C0024507, MONDO:0009894, OMIM 263520.

Allele frequency attached by ClinVar (database versions not stated): gnomAD exomes below 0.00001.

Submission:

Labcorp Genetics (formerly Invitae), Labcorp
Classification: Uncertain significance for Short-rib thoracic dysplasia 6 with or without polydactyly. Last evaluated: 2022-08-31. Review status: criteria provided, single submitter. Criteria: Invitae Variant Classification Sherloc (09022015). Collection method: clinical testing. Allele origin: germline.
Comment: This sequence change replaces glutamic acid, which is acidic and polar, with lysine, which is basic and polar, at codon 905 of the NEK1 protein (p.Glu905Lys). This variant is present in population databases (no rsID available, gnomAD 0.003%). This variant has not been reported in the literature in individuals affected with NEK1-related conditions. ClinVar contains an entry for this variant (Variation ID: 1450494). Advanced modeling of protein sequence and biophysical properties (such as structural, functional, and spatial information, amino acid conservation, physicochemical variation, residue mobility, and thermodynamic stability) performed at Invitae indicates that this missense variant is not expected to disrupt NEK1 protein function. In summary, the available evidence is currently insufficient to determine the role of this variant in disease. Therefore, it has been classified as a Variant of Uncertain Significance.

NM_001199397.3(NEK1):c.2797G>A (p.Glu933Lys)

Gene: NEK1 (NIMA related kinase 1; minus strand). Cytogenetic location: 4q33.
Variant type: single nucleotide variant.
Coding change: c.2797G>A on transcript NM_001199397.3 (MANE Select); coding-DNA position 2797, G replaced by A.
Protein change: p.Glu933Lys; replaces glutamic acid 933 with lysine.
Molecular consequence: missense variant. On other transcripts: non-coding transcript variant (1).
Genome position (GRCh38, 1-based): chr4:169,433,633, C>T on the plus strand (G>A on the coding strand, the complement: NEK1 is on the minus strand). VCF-style: chr4-169433633-C-T. GRCh37 (hg19) VCF-style: chr4-170354784-C-T.
Other names: c.2665G>A, p.Glu889Lys (NM_001199398.3); c.2506G>A, p.Glu836Lys (NM_001199399.3); c.2581G>A, p.Glu861Lys (NM_001199400.3); c.2797G>A, p.Glu933Lys (NM_001374418.1); c.2713G>A, p.Glu905Lys (NM_001374419.1, NM_012224.4); c.2662G>A, p.Glu888Lys (NM_001374420.1); c.2314G>A, p.Glu772Lys (NM_001374421.1); short protein forms E933K, E861K, E836K, E889K, E905K, E772K, E888K.
Identifiers: ClinVar variation 1450494 (VCV001450494.6), dbSNP rs1482298810, ClinGen allele CA358802068.